The following is an entry in ClinVar:

NM_004281.4(BAG3):c.1649A>G (p.Gln550Arg)

Gene: BAG3 (BAG cochaperone 3; plus strand). Cytogenetic location: 10q26.11.
Variant type: single nucleotide variant.
Coding change: c.1649A>G on transcript NM_004281.4 (MANE Select); coding-DNA position 1649, A replaced by G.
Protein change: p.Gln550Arg; replaces glutamine 550 with arginine.
Molecular consequence: missense variant.
Genome position (GRCh38, 1-based): chr10:119,677,203, A>G. VCF-style: chr10-119677203-A-G. GRCh37 (hg19) VCF-style: chr10-121436715-A-G.
Other names: c.1649A>G (NM_004281.3); short protein forms Q550R.
Identifiers: ClinVar variation 1399234 (VCV001399234.8), dbSNP rs2134069541, ClinGen allele CA378297778.
Genomic context (GRCh38, chr10:119,677,203, plus strand): 5'-TGGCAGCAGACAAGGGCAAGAAAAATGCTGGAAATGCAGAAGATCCCCACACAGAAACCC[A>G]GCAGCCAGAAGCCACAGCAGCAGCGACTTCAAACCCCAGCAGCATGACAGACACCCCTGG-3'
Protein context (NP_004272.2, residues 540-560): GNAEDPHTET[Gln550Arg]QPEATAAATS

ClinVar aggregate classification (germline): Uncertain significance. Review status: criteria provided, multiple submitters, no conflicts (2 of 4 stars). 2 submissions from 2 submitters: Uncertain significance (2). Last evaluated 2024-10-18.

Conditions:
Myofibrillar myopathy 6. Identifiers: Orphanet 199340, MedGen C2751831, MONDO:0013061, OMIM 612954.
Dilated cardiomyopathy 1HH (CMD1HH). Identifiers: Orphanet 154, MedGen C3151293, MONDO:0013479, OMIM 613881.

Submissions (2):

Labcorp Genetics (formerly Invitae), Labcorp
Classification: Uncertain significance for Dilated cardiomyopathy 1HH; Myofibrillar myopathy 6. Last evaluated: 2024-10-18. Review status: criteria provided, single submitter. Criteria: Invitae Variant Classification Sherloc (09022015). Collection method: clinical testing. Allele origin: germline.
Comment: This sequence change replaces glutamine, which is neutral and polar, with arginine, which is basic and polar, at codon 550 of the BAG3 protein (p.Gln550Arg). This variant is not present in population databases (gnomAD no frequency). This variant has not been reported in the literature in individuals affected with BAG3-related conditions. ClinVar contains an entry for this variant (Variation ID: 1399234). Invitae Evidence Modeling of protein sequence and biophysical properties (such as structural, functional, and spatial information, amino acid conservation, physicochemical variation, residue mobility, and thermodynamic stability) indicates that this missense variant is not expected to disrupt BAG3 protein function with a negative predictive value of 80%. In summary, the available evidence is currently insufficient to determine the role of this variant in disease. Therefore, it has been classified as a Variant of Uncertain Significance.

GeneDx
Classification: Uncertain significance. Last evaluated: 2023-02-16. Review status: criteria provided, single submitter. Criteria: GeneDx Variant Classification Process June 2021. Collection method: clinical testing. Allele origin: germline. Affected: yes.
Comment: Has not been previously published as pathogenic or benign to our knowledge; Not observed at significant frequency in large population cohorts (gnomAD); In silico analysis supports that this missense variant does not alter protein structure/function